The following is an entry in ClinVar:

NM_001256545.2(MEGF10):c.*209C>G

Gene: MEGF10 (multiple EGF like domains 10; plus strand). Cytogenetic location: 5q23.2.
Variant type: single nucleotide variant.
Coding change: c.*209C>G on transcript NM_001256545.2 (MANE Select); 209 bases downstream of the stop codon, C replaced by G.
Molecular consequence: 3 prime UTR variant.
Genome position (GRCh38, 1-based): chr5:127,457,527, C>G. VCF-style: chr5-127457527-C-G. GRCh37 (hg19) VCF-style: chr5-126793219-C-G.
Other names: c.*209C>G (NM_032446.3).
Identifiers: ClinVar variation 350677 (VCV000350677.8), dbSNP rs10793809, ClinGen allele CA10622516.

ClinVar aggregate classification (germline): Benign. Review status: criteria provided, multiple submitters, no conflicts (2 of 4 stars). 2 submissions from 2 submitters: Benign (2). Last evaluated 2018-06-14.

Conditions:
MEGF10-related myopathy (CMYO10A). Also called: Congenital myopathy 10A, severe variant. Identifiers: Orphanet 439212, MedGen C3280679, MONDO:0013731, OMIM 614399.

Allele frequency attached by ClinVar (database versions not stated): 1000 Genomes Project 0.64157; 1000 Genomes Project 30x 0.64319; TOPMed 0.72600; gnomAD 0.73937 and 0.74642; gnomAD exomes 0.75410.
gnomAD v4.1: 405,824 of 540,820 alleles (75%); highest among the groups gnomAD compares: Non-Finnish European, 81%; 155,232 homozygotes.

Submissions (2):

GeneDx
Classification: Benign. Last evaluated: 2018-06-14. Review status: criteria provided, single submitter. Criteria: GeneDx Variant Classification Process June 2021. Collection method: clinical testing. Allele origin: germline. Affected: yes.

Illumina Laboratory Services, Illumina
Classification: Benign for MEGF10-related myopathy. Last evaluated: 2018-01-13. Review status: criteria provided, single submitter. Criteria: ICSL Variant Classification Criteria 13 December 2019. Collection method: clinical testing. Allele origin: germline.
Comment: This variant was observed in the ICSL laboratory as part of a predisposition screen in an ostensibly healthy population. It had not been previously curated by ICSL or reported in the Human Gene Mutation Database (HGMD: prior to June 1st, 2018), and was therefore a candidate for classification through an automated scoring system. Utilizing variant allele frequency, disease prevalence and penetrance estimates, and inheritance mode, an automated score was calculated to assess if this variant is too frequent to cause the disease. Based on the score and internal cut-off values, a variant classified as benign is not then subjected to further curation. The score for this variant resulted in a classification of benign for this disease.